The following is an entry in ClinVar:

ClinVar aggregate classification (germline): Uncertain significance (1 of 4 stars; one submission).

Submission:

GeneDx
Classification: Uncertain significance. Last evaluated: 2019-05-15. Review status: criteria provided, single submitter. Criteria: GeneDx Variant Classification Process June 2021. Collection method: clinical testing. Allele origin: germline. Affected: yes.
Comment: Not observed in large population cohorts (Lek et al., 2016); In silico analysis, which includes protein predictors and evolutionary conservation, supports a deleterious effect; Has not been previously published as pathogenic or benign to our knowledge

NM_001330311.2(DVL1):c.1628C>G (p.Pro543Arg)

Gene: DVL1 (dishevelled segment polarity protein 1; minus strand). Cytogenetic location: 1p36.33.
Variant type: single nucleotide variant.
Coding change: c.1628C>G on transcript NM_001330311.2 (MANE Select); coding-DNA position 1628, C replaced by G.
Protein change: p.Pro543Arg; replaces proline 543 with arginine.
Molecular consequence: missense variant.
Genome position (GRCh38, 1-based): chr1:1,338,063, G>C on the plus strand (C>G on the coding strand, the complement: DVL1 is on the minus strand). VCF-style: chr1-1338063-G-C. GRCh37 (hg19) VCF-style: chr1-1273443-G-C.
Other names: c.1553C>G, p.Pro518Arg (NM_004421.3); short protein forms P518R, P543R.
Identifiers: ClinVar variation 1305839 (VCV001305839.2), dbSNP rs1256071019, ClinGen allele CA337859219.